The following is an entry in ClinVar:

NM_000093.5(COL5A1):c.1648C>T (p.Leu550Phe)

Gene: COL5A1 (collagen type V alpha 1 chain; plus strand). Cytogenetic location: 9q34.3.
Variant type: single nucleotide variant.
Coding change: c.1648C>T on transcript NM_000093.5 (MANE Select); coding-DNA position 1648, C replaced by T.
Protein change: p.Leu550Phe; replaces leucine 550 with phenylalanine.
Molecular consequence: missense variant.
Genome position (GRCh38, 1-based): chr9:134,750,868, C>T. VCF-style: chr9-134750868-C-T. GRCh37 (hg19) VCF-style: chr9-137642714-C-T.
Other names: c.1648C>T, p.Leu550Phe (NM_001278074.1); short protein forms L550F.
Identifiers: ClinVar variation 2907336 (VCV002907336.3), dbSNP rs2490588281, ClinGen allele CA375444135.
Genomic context (GRCh38, chr9:134,750,868, plus strand): 5'-GGCGATGCGGGCTCCAAAGGCCCCATGGTCTCAGCCCAGGAGTCCCAGGCGCAAGCCATT[C>T]TCCAGCAGGCCAGGGTGAGTACTGCTGGGTCCCAAGAGGCCTGAAGGGGACAGAGCCCAG-3'
Protein context (NP_000084.3, residues 540-560): SAQESQAQAI[Leu550Phe]QQARLALRGP

ClinVar aggregate classification (germline): Uncertain significance (1 of 4 stars; one submission).

Conditions:
Ehlers-Danlos syndrome, classic type, 1 (EDSCL1). Also called: EDS I; EHLERS-DANLOS SYNDROME, GRAVIS TYPE; EHLERS-DANLOS SYNDROME, SEVERE CLASSIC TYPE; Ehlers-Danlos syndrome, type 1; Ehlers-Danlos Syndrome, Classic Type, COL5A1-Related. Identifiers: MedGen C0268335, MONDO:0019567, OMIM 130000.

gnomAD v4.1: 1 of 1,613,184 alleles (0.000062%); highest among the groups gnomAD compares: African/African-American, 0.0013%; no homozygotes.

Submission:

Labcorp Genetics (formerly Invitae), Labcorp
Classification: Uncertain significance for Ehlers-Danlos syndrome, classic type, 1. Last evaluated: 2025-08-29. Review status: criteria provided, single submitter. Criteria: Invitae Variant Classification Sherloc (09022015). Collection method: clinical testing. Allele origin: germline.
Comment: This sequence change replaces leucine, which is neutral and non-polar, with phenylalanine, which is neutral and non-polar, at codon 550 of the COL5A1 protein (p.Leu550Phe). This variant is not present in population databases (gnomAD no frequency). This variant has not been reported in the literature in individuals affected with COL5A1-related conditions. ClinVar contains an entry for this variant (Variation ID: 2907336). Invitae Evidence Modeling of protein sequence and biophysical properties (such as structural, functional, and spatial information, amino acid conservation, physicochemical variation, residue mobility, and thermodynamic stability) indicates that this missense variant is not expected to disrupt COL5A1 protein function with a negative predictive value of 80%. In summary, the available evidence is currently insufficient to determine the role of this variant in disease. Therefore, it has been classified as a Variant of Uncertain Significance.